The following is an entry in ClinVar:

ClinVar aggregate classification (germline): Likely pathogenic. Review status: criteria provided, multiple submitters, no conflicts (2 of 4 stars). 2 submissions from 2 submitters: Likely pathogenic (2). Last evaluated 2025-07-11.

Allele frequency attached by ClinVar (database versions not stated): gnomAD exomes 0.00001 and 0.00002; TOPMed 0.00001; ExAC 0.00004.
gnomAD v4.1: 3 of 1,614,070 alleles (0.00019%); highest among the groups gnomAD compares: East Asian, 0.0067%; no homozygotes.

Submissions (2):

Labcorp Genetics (formerly Invitae), Labcorp
Classification: Likely pathogenic. Last evaluated: 2025-07-11. Review status: criteria provided, single submitter. Criteria: Invitae Variant Classification Sherloc (09022015). Collection method: clinical testing. Allele origin: germline.
Comment: This sequence change affects an acceptor splice site in intron 29 of the FLNB gene. It is expected to disrupt RNA splicing. Variants that disrupt the donor or acceptor splice site typically lead to a loss of protein function (PMID: 16199547), and loss-of-function variants in FLNB are known to be pathogenic (PMID: 14991055). This variant is present in population databases (rs772444561, gnomAD 0.03%). This variant has not been reported in the literature in individuals affected with FLNB-related conditions. ClinVar contains an entry for this variant (Variation ID: 1066375). In summary, the currently available evidence indicates that the variant is pathogenic, but additional data are needed to prove that conclusively. Therefore, this variant has been classified as Likely Pathogenic.

Revvity Omics, Revvity
Classification: Likely pathogenic. Last evaluated: 2023-12-14. Review status: criteria provided, single submitter. Criteria: ACMG Guidelines, 2015. Collection method: clinical testing. Allele origin: germline.

Literature cited by the submitters: PubMed 16199547 (cited by Labcorp Genetics (formerly Invitae), Labcorp); PubMed 14991055 (cited by Labcorp Genetics (formerly Invitae), Labcorp).

NM_001457.4(FLNB):c.5110-1G>A

Gene: FLNB (filamin B; plus strand). Cytogenetic location: 3p14.3.
Variant type: single nucleotide variant.
Coding change: c.5110-1G>A on transcript NM_001457.4 (MANE Select); the canonical splice acceptor site of the intron before coding-DNA position 5110, G replaced by A.
Molecular consequence: splice acceptor variant. On other transcripts: intron variant (1).
Genome position (GRCh38, 1-based): chr3:58,141,857, G>A. VCF-style: chr3-58141857-G-A. GRCh37 (hg19) VCF-style: chr3-58127584-G-A.
Other names: c.5203-1G>A (NM_001164317.2); c.5110-1G>A (NM_001164318.2); c.5110-793G>A (NM_001164319.2).
Identifiers: ClinVar variation 1066375 (VCV001066375.6), dbSNP rs772444561, ClinGen allele CA2468957.